The following is an entry in ClinVar:

ClinVar aggregate classification (germline): Uncertain significance (1 of 4 stars; one submission).

Conditions:
Arrhythmogenic right ventricular dysplasia 5. Also called: Arrhythmogenic Right Ventricular Dysplasia/Cardiomyopathy 5; ARRHYTHMOGENIC RIGHT VENTRICULAR DYSPLASIA, FAMILIAL, 5. Identifiers: MedGen C1858379, MONDO:0011459, OMIM 604400.

gnomAD v4.1: 1 of 1,613,846 alleles (0.000062%); highest among the groups gnomAD compares: Non-Finnish European, 0.000085%; no homozygotes.

Submission:

Labcorp Genetics (formerly Invitae), Labcorp
Classification: Uncertain significance for Arrhythmogenic right ventricular dysplasia 5. Last evaluated: 2025-12-15. Review status: criteria provided, single submitter. Criteria: Invitae Variant Classification Sherloc (09022015). Collection method: clinical testing. Allele origin: germline.
Comment: This sequence change replaces aspartic acid, which is acidic and polar, with glutamic acid, which is acidic and polar, at codon 270 of the TMEM43 protein (p.Asp270Glu). This variant is not present in population databases (gnomAD no frequency). This variant has not been reported in the literature in individuals affected with TMEM43-related conditions. Invitae Evidence Modeling of protein sequence and biophysical properties (such as structural, functional, and spatial information, amino acid conservation, physicochemical variation, residue mobility, and thermodynamic stability) indicates that this missense variant is not expected to disrupt TMEM43 protein function with a negative predictive value of 80%. In summary, the available evidence is currently insufficient to determine the role of this variant in disease. Therefore, it has been classified as a Variant of Uncertain Significance.

NM_024334.3(TMEM43):c.810C>A (p.Asp270Glu)

Gene: TMEM43 (transmembrane protein 43; plus strand). Cytogenetic location: 3p25.1.
Variant type: single nucleotide variant.
Coding change: c.810C>A on transcript NM_024334.3 (MANE Select); coding-DNA position 810, C replaced by A.
Protein change: p.Asp270Glu; replaces aspartic acid 270 with glutamic acid.
Molecular consequence: missense variant.
Genome position (GRCh38, 1-based): chr3:14,135,836, C>A. VCF-style: chr3-14135836-C-A. GRCh37 (hg19) VCF-style: chr3-14177336-C-A.
Other names: c.813C>A, p.Asp271Glu (NM_001407274.1); c.807C>A, p.Asp269Glu (NM_001407275.1, NM_001407277.1); c.810C>A, p.Asp270Glu (NM_001407276.1); c.795C>A, p.Asp265Glu (NM_001407278.1); c.735C>A, p.Asp245Glu (NM_001407279.1); c.660C>A, p.Asp220Glu (NM_001407280.1); short protein forms D265E, D269E, D270E, D271E, D220E, D245E.
Identifiers: ClinVar variation 4737633 (VCV004737633.1).